The following is an entry in ClinVar:

NM_005592.4(MUSK):c.2300G>A (p.Arg767His)

Gene: MUSK (muscle associated receptor tyrosine kinase; plus strand). Cytogenetic location: 9q31.3.
Variant type: single nucleotide variant.
Coding change: c.2300G>A on transcript NM_005592.4 (MANE Select); coding-DNA position 2300, G replaced by A.
Protein change: p.Arg767His; replaces arginine 767 with histidine.
Molecular consequence: missense variant.
Genome position (GRCh38, 1-based): chr9:110,800,678, G>A. VCF-style: chr9-110800678-G-A. GRCh37 (hg19) VCF-style: chr9-113562958-G-A.
Other names: c.2042G>A, p.Arg681His (NM_001166280.2); c.2012G>A, p.Arg671His (NM_001166281.2); c.1040G>A, p.Arg347His (NM_001369398.1); short protein forms R767H, R681H, R347H, R671H.
Identifiers: ClinVar variation 372415 (VCV000372415.8), dbSNP rs370079610, ClinGen allele CA5184606.
Genomic context (GRCh38, chr9:110,800,678, plus strand): 5'-CCAGGAACATCTACTCAGCAGACTACTACAAAGCTAATGAAAACGACGCTATCCCTATCC[G>A]TTGGATGCCACCAGAGTCCATTTTTTATAACCGCTACACTACAGAGTCTGATGTGTGGGC-3'
Protein context (NP_005583.1, residues 757-777): KANENDAIPI[Arg767His]WMPPESIFYN

ClinVar aggregate classification (germline): Uncertain significance. Review status: criteria provided, multiple submitters, no conflicts (2 of 4 stars). 4 submissions from 4 submitters: Uncertain significance (4). Last evaluated 2025-11-08.

Conditions:
Inborn genetic diseases. Identifiers: MedGen C0950123, MeSH D030342.
Congenital myasthenic syndrome 9. Also called: Myasthenic syndrome, congenital, 9, associated with acetylcholine receptor deficiency. Identifiers: Orphanet 590, MedGen C4225368, MONDO:0014587, OMIM 616325.
Fetal akinesia deformation sequence 1 (FADS1). Also called: Pena-Shokeir syndrome type I; Fetal akinesia sequence. Identifiers: Orphanet 994, MedGen C1276035, MONDO:0100101, OMIM 208150, HP:0001989.

Allele frequency attached by ClinVar (database versions not stated): gnomAD exomes 0.00002; ExAC 0.00003; gnomAD 0.00003 and 0.00004; TOPMed 0.00003; 1000 Genomes Project 30x 0.00016; ESP Exome Variant Server 0.00016.
gnomAD v4.1: 121 of 1,613,968 alleles (0.0075%); highest among the groups gnomAD compares: Non-Finnish European, 0.0097%; no homozygotes.

Submissions (4):

Ambry Genetics
Classification: Uncertain significance for Inborn genetic diseases. Last evaluated: 2025-11-08. Review status: criteria provided, single submitter. Criteria: Ambry Variant Classification Scheme 2023. Collection method: clinical testing. Allele origin: germline.

Labcorp Genetics (formerly Invitae), Labcorp
Classification: Uncertain significance for Congenital myasthenic syndrome 9; Fetal akinesia deformation sequence 1. Last evaluated: 2022-10-17. Review status: criteria provided, single submitter. Criteria: Invitae Variant Classification Sherloc (09022015). Collection method: clinical testing. Allele origin: germline.
Comment: This sequence change replaces arginine, which is basic and polar, with histidine, which is basic and polar, at codon 767 of the MUSK protein (p.Arg767His). This variant is present in population databases (rs370079610, gnomAD 0.006%). This variant has not been reported in the literature in individuals affected with MUSK-related conditions. ClinVar contains an entry for this variant (Variation ID: 372415). Advanced modeling of protein sequence and biophysical properties (such as structural, functional, and spatial information, amino acid conservation, physicochemical variation, residue mobility, and thermodynamic stability) performed at Invitae indicates that this missense variant is expected to disrupt MUSK protein function. In summary, the available evidence is currently insufficient to determine the role of this variant in disease. Therefore, it has been classified as a Variant of Uncertain Significance.

GeneDx
Classification: Uncertain significance. Last evaluated: 2016-09-23. Review status: criteria provided, single submitter. Criteria: GeneDx Variant Classification (06012015). Collection method: clinical testing. Allele origin: germline. Affected: yes.
Comment: The R767H variant has not been published as a pathogenic variant, nor has it been reported as a benign variant to our knowledge. The R767H variant was not observed with any significant frequency in approximately 6,100 individuals of European and African American ancestry in the NHLBI Exome Sequencing Project. The R767H variant is a conservative amino acid substitution, which is not likely to impact secondary protein structure as these residues share similar properties. However, this substitution occurs at a position that is conserved across species and in silico analysis predicts this variant is probably damaging to the protein structure/function. Therefore, based on the currently available information, it is unclear whether this variant is a pathogenic variant or a rare benign variant.

Juno Genomics, Hangzhou Juno Genomics, Inc
Classification: Uncertain significance for Fetal akinesia deformation sequence 1; Congenital myasthenic syndrome 9. Review status: criteria provided, single submitter. Criteria: ACMG Guidelines, 2015. Collection method: clinical testing. Allele origin: germline.
Comment: Absent from controls (or at extremely low frequency if recessive) in Genome Aggregation Database.;Multiple lines of computational evidence support a deleterious effect on the gene or gene product.